The following is an entry in ClinVar:

NM_004204.5(PIGQ):c.400C>T (p.Arg134Cys)

Gene: PIGQ (phosphatidylinositol glycan anchor biosynthesis class Q; plus strand). Cytogenetic location: 16p13.3.
Variant type: single nucleotide variant.
Coding change: c.400C>T on transcript NM_004204.5 (MANE Select); coding-DNA position 400, C replaced by T.
Protein change: p.Arg134Cys; replaces arginine 134 with cysteine.
Molecular consequence: missense variant.
Genome position (GRCh38, 1-based): chr16:574,474, C>T. VCF-style: chr16-574474-C-T. GRCh37 (hg19) VCF-style: chr16-624474-C-T.
Other names: c.400C>T, p.Arg134Cys (NM_148920.4); short protein forms R134C.
Identifiers: ClinVar variation 456047 (VCV000456047.31), dbSNP rs199780849, ClinGen allele CA7779858.

ClinVar aggregate classification (germline): Uncertain significance. Review status: criteria provided, multiple submitters, no conflicts (2 of 4 stars). 2 submissions from 2 submitters: Uncertain significance (2). Last evaluated 2023-09-01.

Conditions:
Epilepsy. Also called: Seizure disorder. Identifiers: MedGen C0014544, MeSH D004827, MONDO:0005027.

Allele frequency attached by ClinVar (database versions not stated): gnomAD 0.00019 and 0.00017; ESP Exome Variant Server 0.00031; gnomAD exomes 0.00037 and 0.00012; ExAC 0.00014; TOPMed 0.00018.

Submissions (2):

CeGaT Center for Human Genetics Tuebingen
Classification: Uncertain significance. Last evaluated: 2023-09-01. Review status: criteria provided, single submitter. Criteria: CeGaT Center For Human Genetics Tuebingen Variant Classification Criteria Version 2. Collection method: clinical testing. Allele origin: germline. Affected: yes. Observed: 1 variant allele.
Comment: PIGQ: PM2

Labcorp Genetics (formerly Invitae), Labcorp
Classification: Uncertain significance for Epilepsy. Last evaluated: 2022-08-31. Review status: criteria provided, single submitter. Criteria: Invitae Variant Classification Sherloc (09022015). Collection method: clinical testing. Allele origin: germline.
Comment: This sequence change replaces arginine, which is basic and polar, with cysteine, which is neutral and slightly polar, at codon 134 of the PIGQ protein (p.Arg134Cys). This variant is present in population databases (rs199780849, gnomAD 0.03%). This variant has not been reported in the literature in individuals affected with PIGQ-related conditions. ClinVar contains an entry for this variant (Variation ID: 456047). Algorithms developed to predict the effect of missense changes on protein structure and function are either unavailable or do not agree on the potential impact of this missense change (SIFT: "Deleterious"; PolyPhen-2: "Probably Damaging"; Align-GVGD: "Class C0"). In summary, the available evidence is currently insufficient to determine the role of this variant in disease. Therefore, it has been classified as a Variant of Uncertain Significance.